The following is an entry in ClinVar:

NM_020975.6(RET):c.452A>T (p.Asn151Ile)

Gene: RET (ret proto-oncogene; plus strand). Cytogenetic location: 10q11.21.
Variant type: single nucleotide variant.
Coding change: c.452A>T on transcript NM_020975.6 (MANE Select); coding-DNA position 452, A replaced by T.
Protein change: p.Asn151Ile; replaces asparagine 151 with isoleucine.
Molecular consequence: missense variant.
Genome position (GRCh38, 1-based): chr10:43,102,456, A>T. VCF-style: chr10-43102456-A-T. GRCh37 (hg19) VCF-style: chr10-43597904-A-T.
Other names: c.452A>T, p.Asn151Ile (NM_020629.2, NM_020630.7, NM_000323.2 and 16 more transcripts); short protein forms N151I.
Identifiers: ClinVar variation 1001213 (VCV001001213.14), dbSNP rs150261092, ClinGen allele CA376770861.

ClinVar aggregate classification (germline): Uncertain significance. Review status: criteria provided, multiple submitters, no conflicts (2 of 4 stars). 3 submissions from 3 submitters: Uncertain significance (3). Last evaluated 2025-06-04.

Conditions:
Hereditary cancer-predisposing syndrome. Also called: Hereditary Cancer Syndrome; Hereditary neoplastic syndrome; Tumor predisposition; Neoplastic Syndromes, Hereditary. Identifiers: Orphanet 140162, MedGen C0027672, MeSH D009386, MONDO:0015356.
Multiple endocrine neoplasia type 2B. Also called: Multiple endocrine neoplasia, type 3; MEN 2B; MULTIPLE ENDOCRINE NEOPLASIA, TYPE IIB; MUCOSAL NEUROMA SYNDROME; Multiple Endocrine Neoplasia Type 2B (MEN2B); MEN IIB. Identifiers: Orphanet 247709, Orphanet 653, MedGen C0025269, MeSH D018814, MONDO:0008082, OMIM 162300.
Hirschsprung disease, susceptibility to, 1 (HSCR1). Also called: RET-Related Hirschsprung Disease. Identifiers: Orphanet 388, MedGen C3888239, MONDO:0007723, OMIM 142623.
Pheochromocytoma. Also called: MAX-Related Hereditary Paraganglioma-Pheochromocytoma Syndrome. Identifiers: Orphanet 29072, MedGen C0031511, MONDO:0008233, OMIM 171300, HP:0002666.
Multiple endocrine neoplasia type 2A. Also called: MULTIPLE ENDOCRINE NEOPLASIA, TYPE IIA; PTC SYNDROME; SIPPLE SYNDROME; MEN 2A; MEN-2A syndrome; Pheochromocytoma and amyloid producing medullary thyroid carcinoma. Identifiers: Orphanet 247698, Orphanet 653, MedGen C0025268, MeSH D018813, MONDO:0008234, OMIM 171400.
Familial medullary thyroid carcinoma (MTC). Also called: Thyroid cancer, familial medullary; MTC, familial; Familial Medullary Thyroid Carcinoma (FMTC). Identifiers: Orphanet 653, Orphanet 99361, MedGen C1833921, MONDO:0007958, OMIM 155240.
Multiple endocrine neoplasia, type 2 (MEN2). Identifiers: Orphanet 653, MedGen C4048306, MONDO:0019003. Disease mechanism: gain of function.

gnomAD v4.1: 1 of 1,614,122 alleles (0.000062%); no homozygotes.

Submissions (3):

Labcorp Genetics (formerly Invitae), Labcorp
Classification: Uncertain significance for Multiple endocrine neoplasia, type 2. Last evaluated: 2025-06-04. Review status: criteria provided, single submitter. Criteria: Invitae Variant Classification Sherloc (09022015). Collection method: clinical testing. Allele origin: germline.
Comment: This sequence change replaces asparagine, which is neutral and polar, with isoleucine, which is neutral and non-polar, at codon 151 of the RET protein (p.Asn151Ile). This variant is not present in population databases (gnomAD no frequency). This variant has not been reported in the literature in individuals affected with RET-related conditions. ClinVar contains an entry for this variant (Variation ID: 1001213). An algorithm developed to predict the effect of missense changes on protein structure and function (PolyPhen-2) suggests that this variant is likely to be disruptive. In summary, the available evidence is currently insufficient to determine the role of this variant in disease. Therefore, it has been classified as a Variant of Uncertain Significance.

Ambry Genetics
Classification: Uncertain significance for Hereditary cancer-predisposing syndrome. Last evaluated: 2024-05-26. Review status: criteria provided, single submitter. Criteria: Ambry Variant Classification Scheme 2023. Collection method: clinical testing. Allele origin: germline.
Comment: The p.N151I variant (also known as c.452A>T), located in coding exon 3 of the RET gene, results from an A to T substitution at nucleotide position 452. The asparagine at codon 151 is replaced by isoleucine, an amino acid with dissimilar properties. This amino acid position is highly conserved in available vertebrate species. In addition, the in silico prediction for this alteration is inconclusive. Since supporting evidence is limited at this time, the clinical significance of this alteration remains unclear.

Fulgent Genetics
Classification: Uncertain significance for Hirschsprung disease, susceptibility to, 1; Familial medullary thyroid carcinoma; Multiple endocrine neoplasia type 2B; Pheochromocytoma; Multiple endocrine neoplasia type 2A. Last evaluated: 2021-10-27. Review status: criteria provided, single submitter. Criteria: ACMG Guidelines, 2015. Collection method: clinical testing. Allele origin: unknown.